The following is an entry in ClinVar:

ClinVar aggregate classification (germline): Pathogenic (1 of 4 stars; one submission).

Conditions:
Aortic valve disease 2 (AOVD2). Identifiers: MedGen C3542024, MONDO:0013902, OMIM 614823.

Submission:

Labcorp Genetics (formerly Invitae), Labcorp
Classification: Pathogenic for Aortic valve disease 2. Last evaluated: 2023-06-06. Review status: criteria provided, single submitter. Criteria: Invitae Variant Classification Sherloc (09022015). Collection method: clinical testing. Allele origin: germline.
Comment: This variant has not been reported in the literature in individuals affected with TBX5-related conditions. For these reasons, this variant has been classified as Pathogenic. This sequence change creates a premature translational stop signal (p.Thr199Tyrfs*10) in the TBX5 gene. It is expected to result in an absent or disrupted protein product. Loss-of-function variants in TBX5 are known to be pathogenic (PMID: 16183809, 16917909). This variant is not present in population databases (gnomAD no frequency).

Literature cited by the submitters: PubMed 16183809; PubMed 16917909.

NM_181486.4(TBX5):c.594dup (p.Thr199fs)

Gene: TBX5 (T-box transcription factor 5; minus strand). Cytogenetic location: 12q24.21.
Variant type: Duplication.
Coding change: c.594dup on transcript NM_181486.4 (MANE Select); coding-DNA position 594, one base duplicated (T; older notation c.594dupT).
Protein change: p.Thr199fs; shifts the reading frame from threonine 199.
Molecular consequence: frameshift variant.
Genome position (GRCh38, 1-based): chr12:114,394,810, A duplicated on the plus strand (T on the coding strand, the reverse complement: TBX5 is on the minus strand). VCF-style (leftmost placement, unchanged base first): chr12-114394809-T-TA. GRCh37 (hg19) VCF-style: chr12-114832614-T-TA.
Other names: c.594dup, p.Thr199fs (NM_000192.3); c.444dup, p.Thr149fs (NM_080717.4); short protein forms T149fs, T199fs.
Identifiers: ClinVar variation 2697016 (VCV002697016.3), dbSNP rs2540466994, ClinGen allele CA2697551538.